The following is an entry in ClinVar:

NM_025216.3(WNT10A):c.826T>A (p.Cys276Ser)

Gene: WNT10A (Wnt family member 10A; plus strand). Cytogenetic location: 2q35.
Variant type: single nucleotide variant.
Coding change: c.826T>A on transcript NM_025216.3 (MANE Select); coding-DNA position 826, T replaced by A.
Protein change: p.Cys276Ser; replaces cysteine 276 with serine.
Molecular consequence: missense variant.
Genome position (GRCh38, 1-based): chr2:218,892,843, T>A. VCF-style: chr2-218892843-T-A. GRCh37 (hg19) VCF-style: chr2-219757565-T-A.
Other names: (p.Cys276Ser); short protein forms C276S.
Identifiers: ClinVar variation 559393 (VCV000559393.4), dbSNP rs1011303295, ClinGen allele CA350589698.
Genomic context (GRCh38, chr2:218,892,843, plus strand): 5'-GAGAACATGCGGCGGAAGTGCAAGTGCCACGGCACGTCAGGCAGCTGCCAGCTCAAGACG[T>A]GCTGGCAGGTGACGCCCGAGTTCCGCACCGTGGGGGCGCTGCTGCGCAGCCGCTTCCACC-3'
Protein context (NP_079492.2, residues 266-286): GTSGSCQLKT[Cys276Ser]WQVTPEFRTV

ClinVar aggregate classification (germline): Likely pathogenic. Review status: criteria provided, single submitter (1 of 4 stars). 3 submissions from 3 submitters: Likely pathogenic (1). 2 of the submissions do not count toward it. Last evaluated 2025-05-05.

Conditions:
Odonto-onycho-dermal dysplasia. Identifiers: Orphanet 2721, MedGen C0796093, MONDO:0009773, OMIM 257980.
Schöpf-Schulz-Passarge syndrome. Also called: SchC6pf-Schulz-Passarge syndrome; ECCRINE TUMORS WITH ECTODERMAL DYSPLASIA; KERATOSIS PALMOPLANTARIS WITH CYSTIC EYELIDS, HYPODONTIA, AND HYPOTRICHOSIS. Identifiers: Orphanet 50944, MedGen C1857069, MONDO:0009145, OMIM 224750.

Submissions (3):

Natera, Inc.
Classification: Likely pathogenic for Schopf-Schulz-Passarge syndrome. Last evaluated: 2025-05-05. Review status: criteria provided, single submitter. Criteria: Natera Variant Classification Schema (03/2026). Collection method: clinical testing. Allele origin: germline.
Comment: The c.826T>A variant in WNT10A is a missense variant predicted to cause substitution of cysteine to serine at amino acid 276. This variant is rare in the general population with a frequency below the threshold expected for the associated phenotype(s). This variant has been observed in one or more individuals affected with the associated recessive disease, as either homozygous or compound heterozygous with a second variant (PMID: 30569517). This variant has been identified in one or more affected individuals with a phenotype highly consistent with the associated gene (PMID: 30569517). Computational prediction algorithms indicate this variant is likely to affect gene or protein function. Given the available evidence, this variant is classified as Likely Pathogenic.

OMIM
Classification: Pathogenic for ODONTOONYCHODERMAL DYSPLASIA. Last evaluated: 2020-06-23. Review status: no assertion criteria provided. Collection method: literature only. Allele origin: germline. Not counted in ClinVar's aggregate classification.

Department of Prosthodontics, Peking University School and Hospital of Stomatology
Classification: Pathogenic for Odontoonychodermal dysplasia. Last evaluated: 2018-06-04. Review status: no assertion criteria provided. Collection method: clinical testing. Allele origin: paternal. Affected: yes. Not counted in ClinVar's aggregate classification.

Literature cited by the submitters: PubMed 30569517 (cited by Natera, Inc. and OMIM).